The following is an entry in ClinVar:

ClinVar aggregate classification (germline): Uncertain significance (1 of 4 stars; one submission).

Allele frequency attached by ClinVar (database versions not stated): ExAC 0.00001; gnomAD 0.00001; gnomAD exomes 0.00002; TOPMed 0.00002.
gnomAD v4.1: 15 of 1,614,074 alleles (0.00093%); highest among the groups gnomAD compares: African/African-American, 0.004%; no homozygotes.

Submission:

Labcorp Genetics (formerly Invitae), Labcorp
Classification: Uncertain significance. Last evaluated: 2022-07-26. Review status: criteria provided, single submitter. Criteria: Invitae Variant Classification Sherloc (09022015). Collection method: clinical testing. Allele origin: germline.
Comment: This sequence change replaces aspartic acid, which is acidic and polar, with asparagine, which is neutral and polar, at codon 247 of the PARS2 protein (p.Asp247Asn). This variant is present in population databases (rs760609265, gnomAD 0.005%). This variant has not been reported in the literature in individuals affected with PARS2-related conditions. ClinVar contains an entry for this variant (Variation ID: 1361952). Algorithms developed to predict the effect of missense changes on protein structure and function output the following: SIFT: "Tolerated"; PolyPhen-2: "Benign"; Align-GVGD: "Class C0". The asparagine amino acid residue is found in multiple mammalian species, which suggests that this missense change does not adversely affect protein function. In summary, the available evidence is currently insufficient to determine the role of this variant in disease. Therefore, it has been classified as a Variant of Uncertain Significance.

NM_152268.4(PARS2):c.739G>A (p.Asp247Asn)

Gene: PARS2 (prolyl-tRNA synthetase 2, mitochondrial; minus strand). Cytogenetic location: 1p32.3.
Variant type: single nucleotide variant.
Coding change: c.739G>A on transcript NM_152268.4 (MANE Select); coding-DNA position 739, G replaced by A.
Protein change: p.Asp247Asn; replaces aspartic acid 247 with asparagine.
Molecular consequence: missense variant.
Genome position (GRCh38, 1-based): chr1:54,758,423, C>T on the plus strand (G>A on the coding strand, the complement: PARS2 is on the minus strand). VCF-style: chr1-54758423-C-T. GRCh37 (hg19) VCF-style: chr1-55224096-C-T.
Other names: short protein forms D247N.
Identifiers: ClinVar variation 1361952 (VCV001361952.5), dbSNP rs760609265, ClinGen allele CA869422.
Genomic context (GRCh38, chr1:54,758,423, plus strand): 5'-CTCCAATATCCACTGGGAGCTGGAACTCATGAGACACTGTGCCCCCGATGGTGCCCACAT[C>T]GGCCTGGACCTTGACAAATGGCAGCCCTAGCTTGTTGAACAGGCTGCAGTAGGCATCACA-3'
Protein context (NP_689481.2, residues 237-257): LGLPFVKVQA[Asp247Asn]VGTIGGTVSH